The following is an entry in ClinVar:

ClinVar aggregate classification (germline): Uncertain significance (1 of 4 stars; one submission).

Conditions:
Hereditary cancer-predisposing syndrome. Also called: Neoplastic Syndromes, Hereditary; Hereditary Cancer Syndrome; Tumor predisposition; Hereditary neoplastic syndrome. Identifiers: Orphanet 140162, MedGen C0027672, MeSH D009386, MONDO:0015356.

Submission:

Ambry Genetics
Classification: Uncertain significance for Hereditary cancer-predisposing syndrome. Last evaluated: 2025-01-29. Review status: criteria provided, single submitter. Criteria: Ambry Variant Classification Scheme 2023. Collection method: clinical testing. Allele origin: germline.
Comment: The p.G64V variant (also known as c.191G>T), located in coding exon 2 of the SUFU gene, results from a G to T substitution at nucleotide position 191. The glycine at codon 64 is replaced by valine, an amino acid with dissimilar properties. This amino acid position is conserved. In addition, this alteration is predicted to be deleterious by in silico analysis. Based on the available evidence, the clinical significance of this variant remains unclear.

NM_016169.4(SUFU):c.191G>T (p.Gly64Val)

Gene: SUFU (SUFU negative regulator of hedgehog signaling; plus strand). Cytogenetic location: 10q24.32.
Variant type: single nucleotide variant.
Coding change: c.191G>T on transcript NM_016169.4 (MANE Select); coding-DNA position 191, G replaced by T.
Protein change: p.Gly64Val; replaces glycine 64 with valine.
Molecular consequence: missense variant.
Genome position (GRCh38, 1-based): chr10:102,509,177, G>T. VCF-style: chr10-102509177-G-T. GRCh37 (hg19) VCF-style: chr10-104268934-G-T.
Other names: c.191G>T, p.Gly64Val (NM_001178133.2); short protein forms G64V.
Identifiers: ClinVar variation 3802899 (VCV003802899.1).
Genomic context (GRCh38, chr10:102,509,177, plus strand): 5'-ATTGTCTGATTTCCAGGCTTACACTAACACCCCTGTGTTTTGTTTTTTGCAGGTTGGGTG[G>T]CCCAGACCCCTTGGACTATGTTAGCATGTACAGGAATGTGGGGAGCCCTTCTGCTAACAT-3'
Protein context (NP_057253.2, residues 54-74): VTAIVKYWLG[Gly64Val]PDPLDYVSMY